The following is an entry in ClinVar:

NM_001458.5(FLNC):c.2344A>G (p.Asn782Asp)

Gene: FLNC (filamin C; plus strand). Cytogenetic location: 7q32.1.
Variant type: single nucleotide variant.
Coding change: c.2344A>G on transcript NM_001458.5 (MANE Select); coding-DNA position 2344, A replaced by G.
Protein change: p.Asn782Asp; replaces asparagine 782 with aspartic acid.
Molecular consequence: missense variant.
Genome position (GRCh38, 1-based): chr7:128,842,653, A>G. VCF-style: chr7-128842653-A-G. GRCh37 (hg19) VCF-style: chr7-128482707-A-G.
Other names: c.2344A>G, p.Asn782Asp (NM_001127487.2); c.2344A>G (NM_001458.4); short protein forms N782D.
Identifiers: ClinVar variation 1468867 (VCV001468867.8), dbSNP rs1055062421, ClinGen allele CA166175133.

ClinVar aggregate classification (germline): Uncertain significance. Review status: criteria provided, multiple submitters, no conflicts (2 of 4 stars). 2 submissions from 2 submitters: Uncertain significance (2). Last evaluated 2026-10-01.

Conditions:
Myofibrillar myopathy 5. Also called: Filaminopathy (type); FILAMINOPATHY, AUTOSOMAL DOMINANT. Identifiers: Orphanet 171445, MedGen C1836050, MONDO:0012289, OMIM 609524.
Hypertrophic cardiomyopathy 26. Also called: Cardiomyopathy, familial hypertrophic, 26. Identifiers: Orphanet 75249, MedGen C4310749, MONDO:0014883, OMIM 617047.
Distal myopathy with posterior leg and anterior hand involvement. Also called: WILLIAMS DISTAL MYOPATHY. Identifiers: Orphanet 63273, MedGen C3279722, MONDO:0013550, OMIM 614065.

Allele frequency attached by ClinVar (database versions not stated): TOPMed 0.00001; gnomAD exomes 0.00001.
gnomAD v4.1: 3 of 1,553,014 alleles (0.00019%); highest among the groups gnomAD compares: Admixed American, 0.0059%; no homozygotes.

Submissions (2):

GeneDx
Classification: Uncertain significance. Last evaluated: 2026-10-01. Review status: criteria provided, single submitter. Criteria: GeneDx Variant Classification Process June 2021. Collection method: clinical testing. Allele origin: germline.
Comment: In silico analysis supports that this missense variant has a deleterious effect on protein structure/function; Has not been previously published as pathogenic or benign to our knowledge

Labcorp Genetics (formerly Invitae), Labcorp
Classification: Uncertain significance for Distal myopathy with posterior leg and anterior hand involvement; Myofibrillar myopathy 5; Hypertrophic cardiomyopathy 26. Last evaluated: 2025-12-01. Review status: criteria provided, single submitter. Criteria: Invitae Variant Classification Sherloc (09022015). Collection method: clinical testing. Allele origin: germline.
Comment: This sequence change replaces asparagine, which is neutral and polar, with aspartic acid, which is acidic and polar, at codon 782 of the FLNC protein (p.Asn782Asp). This variant is present in population databases (no rsID available, gnomAD 0.008%). This variant has not been reported in the literature in individuals affected with FLNC-related conditions. ClinVar contains an entry for this variant (Variation ID: 1468867). Invitae Evidence Modeling of protein sequence and biophysical properties (such as structural, functional, and spatial information, amino acid conservation, physicochemical variation, residue mobility, and thermodynamic stability) has been performed for this missense variant. However, the output from this modeling did not meet the statistical confidence thresholds required to predict the impact of this variant on FLNC protein function. In summary, the available evidence is currently insufficient to determine the role of this variant in disease. Therefore, it has been classified as a Variant of Uncertain Significance.